The following is an entry in ClinVar:

ClinVar aggregate classification (germline): Uncertain significance (1 of 4 stars; one submission).

Conditions:
Perlman syndrome (PRLMNS). Identifiers: Orphanet 2849, MedGen C0796113, MONDO:0009965, OMIM 267000.

Submission:

Labcorp Genetics (formerly Invitae), Labcorp
Classification: Uncertain significance for Perlman syndrome. Last evaluated: 2025-08-30. Review status: criteria provided, single submitter. Criteria: Invitae Variant Classification Sherloc (09022015). Collection method: clinical testing. Allele origin: germline.
Comment: This sequence change replaces glycine, which is neutral and non-polar, with valine, which is neutral and non-polar, at codon 358 of the DIS3L2 protein (p.Gly358Val). This variant is not present in population databases (gnomAD no frequency). This variant has not been reported in the literature in individuals affected with DIS3L2-related conditions. ClinVar contains an entry for this variant (Variation ID: 1482293). An algorithm developed to predict the effect of missense changes on protein structure and function (PolyPhen-2) suggests that this variant is likely to be tolerated. In summary, the available evidence is currently insufficient to determine the role of this variant in disease. Therefore, it has been classified as a Variant of Uncertain Significance.

NM_152383.5(DIS3L2):c.1073G>T (p.Gly358Val)

Gene: DIS3L2 (DIS3 like 3'-5' exoribonuclease 2; plus strand). Cytogenetic location: 2q37.1.
Variant type: single nucleotide variant.
Coding change: c.1073G>T on transcript NM_152383.5 (MANE Select); coding-DNA position 1073, G replaced by T.
Protein change: p.Gly358Val; replaces glycine 358 with valine.
Molecular consequence: missense variant. On other transcripts: non-coding transcript variant (2).
Genome position (GRCh38, 1-based): chr2:232,163,581, G>T. VCF-style: chr2-232163581-G-T. GRCh37 (hg19) VCF-style: chr2-233028291-G-T.
Other names: c.1073G>T, p.Gly358Val (NM_001257281.2); short protein forms G358V.
Identifiers: ClinVar variation 1482293 (VCV001482293.8), dbSNP rs769013964, ClinGen allele CA351154424.
Genomic context (GRCh38, chr2:232,163,581, plus strand): 5'-CAGAGTATGGCGTGGATTTCTCTGATTTCTCTTCAGAAGTTCTAGAATGTCTTCCTCAAG[G>T]CCTGCCATGGACAATTCCACCAGAGGAGTTCAGCAAGAGAAGGGATTTAAGGTAAGCACC-3'
Protein context (NP_689596.4, residues 348-368): SSEVLECLPQ[Gly358Val]LPWTIPPEEF